The following is an entry in ClinVar:

ClinVar aggregate classification (germline): Uncertain significance (1 of 4 stars; one submission).

Submission:

Labcorp Genetics (formerly Invitae), Labcorp
Classification: Uncertain significance. Last evaluated: 2025-03-18. Review status: criteria provided, single submitter. Criteria: Invitae Variant Classification Sherloc (09022015). Collection method: clinical testing. Allele origin: germline.
Comment: This sequence change replaces alanine, which is neutral and non-polar, with valine, which is neutral and non-polar, at codon 1507 of the SMARCA2 protein (p.Ala1507Val). This variant is not present in population databases (gnomAD no frequency). This variant has not been reported in the literature in individuals affected with SMARCA2-related conditions. Invitae Evidence Modeling of protein sequence and biophysical properties (such as structural, functional, and spatial information, amino acid conservation, physicochemical variation, residue mobility, and thermodynamic stability) indicates that this missense variant is not expected to disrupt SMARCA2 protein function with a negative predictive value of 80%. In summary, the available evidence is currently insufficient to determine the role of this variant in disease. Therefore, it has been classified as a Variant of Uncertain Significance.

NM_003070.5(SMARCA2):c.4520C>T (p.Ala1507Val)

Gene: SMARCA2 (SWI/SNF related BAF chromatin remodeling complex subunit ATPase 2; plus strand). Cytogenetic location: 9p24.3.
Variant type: single nucleotide variant.
Coding change: c.4520C>T on transcript NM_003070.5 (MANE Select); coding-DNA position 4520, C replaced by T.
Protein change: p.Ala1507Val; replaces alanine 1507 with valine.
Molecular consequence: missense variant.
Genome position (GRCh38, 1-based): chr9:2,186,154, C>T. VCF-style: chr9-2186154-C-T. GRCh37 (hg19) VCF-style: chr9-2186154-C-T.
Other names: c.4520C>T, p.Ala1507Val (NM_001289396.2); c.4292C>T, p.Ala1431Val (NM_001289397.2); c.494C>T, p.Ala165Val (NM_001289398.2); c.578C>T, p.Ala193Val (NM_001289399.2); c.584C>T, p.Ala195Val (NM_001289400.2); c.4466C>T, p.Ala1489Val (NM_139045.4); short protein forms A195V, A1507V, A1431V, A1489V, A165V, A193V.
Identifiers: ClinVar variation 4746476 (VCV004746476.1).